The following is an entry in ClinVar:

NM_020987.5(ANK3):c.12823G>C (p.Gly4275Arg)

Gene: ANK3 (ankyrin 3; minus strand). Cytogenetic location: 10q21.2.
Variant type: single nucleotide variant.
Coding change: c.12823G>C on transcript NM_020987.5 (MANE Select); coding-DNA position 12823, G replaced by C.
Protein change: p.Gly4275Arg; replaces glycine 4275 with arginine.
Molecular consequence: missense variant.
Genome position (GRCh38, 1-based): chr10:60,055,900, C>G on the plus strand (G>C on the coding strand, the complement: ANK3 is on the minus strand). VCF-style: chr10-60055900-C-G. GRCh37 (hg19) VCF-style: chr10-61815658-C-G.
Other names: c.2695G>C, p.Gly899Arg (NM_001149.4); c.5275G>C, p.Gly1759Arg (NM_001204403.2); c.5296G>C, p.Gly1766Arg (NM_001204404.2); c.5293G>C, p.Gly1765Arg (NM_001320874.2); short protein forms G1759R, G1765R, G1766R, G4275R, G899R.
Identifiers: ClinVar variation 3365601 (VCV003365601.2).

ClinVar aggregate classification (germline): Uncertain significance (1 of 4 stars; one submission).

Submission:

GeneDx
Classification: Uncertain significance. Last evaluated: 2026-09-05. Review status: criteria provided, single submitter. Criteria: GeneDx Variant Classification Process June 2021. Collection method: clinical testing. Allele origin: germline.
Comment: Not observed at significant frequency in large population cohorts (gnomAD); In silico analysis supports that this missense variant has a deleterious effect on protein structure/function; Has not been previously published as pathogenic or benign to our knowledge